The following is an entry in ClinVar:

NM_001376013.1(EPB41):c.1070C>T (p.Pro357Leu)

Gene: EPB41 (erythrocyte membrane protein band 4.1; plus strand). Cytogenetic location: 1p35.3.
Variant type: single nucleotide variant.
Coding change: c.1070C>T on transcript NM_001376013.1 (MANE Select); coding-DNA position 1070, C replaced by T.
Protein change: p.Pro357Leu; replaces proline 357 with leucine.
Molecular consequence: missense variant.
Genome position (GRCh38, 1-based): chr1:29,018,388, C>T. VCF-style: chr1-29018388-C-T. GRCh37 (hg19) VCF-style: chr1-29344900-C-T.
Other names: p.Pro357Leu; c.1070C>T, p.Pro357Leu (NM_001166005.2, NM_001166006.2, NM_001376014.1 and 7 more transcripts); c.443C>T, p.Pro148Leu (NM_001166007.2, NM_001376022.1, NM_001376023.1 and 7 more transcripts); c.965C>T, p.Pro322Leu (NM_203343.3); short protein forms P148L, P322L, P357L.
Identifiers: ClinVar variation 3379532 (VCV003379532.1).

ClinVar aggregate classification (germline): Uncertain significance (1 of 4 stars; one submission).

gnomAD v4.1: 9 of 1,614,048 alleles (0.00056%); highest among the groups gnomAD compares: East Asian, 0.0045%; no homozygotes.

Submission:

Mayo Clinic Laboratories, Mayo Clinic
Classification: Uncertain significance. Last evaluated: 2024-08-05. Review status: criteria provided, single submitter. Criteria: ACMG Guidelines, 2015. Collection method: clinical testing. Allele origin: germline. Observed: 1 variant allele.
Comment: PP3, PM2